The following is an entry in ClinVar:

NM_153676.4(USH1C):c.69_70insAGACAGT (p.Asp24delinsArgGlnTer)

Gene: USH1C (USH1 protein network component harmonin; minus strand). Cytogenetic location: 11p15.1.
Variant type: Insertion.
Coding change: c.69_70insAGACAGT on transcript NM_153676.4 (MANE Select); coding-DNA positions 69 to 70, AGACAGT inserted.
Protein change: p.Asp24delinsArgGlnTer.
Molecular consequence: nonsense. On other transcripts: non-coding transcript variant (1).
Genome position: GRCh38 VCF-style: chr11-17533289-C-CACTGTCT. GRCh37 (hg19) VCF-style: chr11-17554836-C-CACTGTCT.
Other names: c.69_70insAGACAGT, p.Asp24delinsArgGlnTer (NM_001297764.2, NM_001440680.1, NM_001440681.1 and 5 more transcripts); c.102_103insAGACAGT, p.Asp35delinsArgGlnTer (NM_001440679.1, NM_001440684.1, NM_001440686.1).
Identifiers: ClinVar variation 5011688 (VCV005011688.1).

ClinVar aggregate classification (germline): Pathogenic (1 of 4 stars; one submission).

Conditions:
Usher syndrome type 1C. Also called: USHER SYNDROME, TYPE I, ACADIAN VARIETY. Identifiers: Orphanet 231169, Orphanet 886, MedGen C1848604, MONDO:0010171, OMIM 276904.

Submission:

Myriad Genetics, Inc.
Classification: Pathogenic for Usher syndrome type 1C. Last evaluated: 2023-09-17. Review status: criteria provided, single submitter. Criteria: Myriad Autosomal Dominant, Autosomal Recessive and X-Linked Classification Criteria (2023). Collection method: clinical testing. Allele origin: unknown.
Comment: NM_005709.3(USH1C):c.69_70ins7(D24Rfs*3) is expected to be pathogenic in the context of USH1C-related disorders. This variant is predicted to lead to an abnormal or absent protein product due to the creation of a premature termination codon in USH1C, a gene where loss-of-function variants are known to be pathogenic. Please note: this variant was assessed in the context of healthy population screening.